The following is an entry in ClinVar:

ClinVar aggregate classification (germline): Likely benign. Review status: criteria provided, single submitter (1 of 4 stars). 2 submissions from 2 submitters: Likely benign (1). 1 of the submissions does not count toward it. Last evaluated 2025-02-10.

Conditions:
DBT-related disorder. Also called: DBT-related condition.
Maple syrup urine disease (MSUD). Identifiers: Orphanet 511, MedGen C0024776, MeSH D008375, MONDO:0009563. Disease mechanism: loss of function.

Submissions (2):

Labcorp Genetics (formerly Invitae), Labcorp
Classification: Likely benign for Maple syrup urine disease. Last evaluated: 2025-02-10. Review status: criteria provided, single submitter. Criteria: Invitae Variant Classification Sherloc (09022015). Collection method: clinical testing. Allele origin: germline.

PreventionGenetics, part of Exact Sciences
Classification: Likely benign for DBT-related condition. Last evaluated: 2023-02-07. Review status: no assertion criteria provided. Collection method: clinical testing. Allele origin: germline. Not counted in ClinVar's aggregate classification.
Comment: This variant is classified as likely benign based on ACMG/AMP sequence variant interpretation guidelines (Richards et al. 2015 PMID: 25741868, with internal and published modifications).

NM_001918.5(DBT):c.1282-15T>A

Gene: DBT (dihydrolipoamide branched chain transacylase E2; minus strand). Cytogenetic location: 1p21.2.
Variant type: single nucleotide variant.
Coding change: c.1282-15T>A on transcript NM_001918.5 (MANE Select); 15 bases into the intron before coding-DNA position 1282, T replaced by A.
Molecular consequence: intron variant.
Genome position (GRCh38, 1-based): chr1:100,196,437, A>T on the plus strand (T>A on the coding strand, the complement: DBT is on the minus strand). VCF-style: chr1-100196437-A-T. GRCh37 (hg19) VCF-style: chr1-100661993-A-T.
Other names: c.1282-15T>A (NM_001918.3).
Identifiers: ClinVar variation 1567333 (VCV001567333.10), dbSNP rs763988935, ClinGen allele CA2573130837.
Genomic context (GRCh38, chr1:100,196,437, plus strand): 5'-TCTGTGCCTTATATACTTCTCCTTTCTGGTTAAATCGGGGAATGGCCTAGAAATGAAAAA[A>T]AAAAAAAAAAAAAAAAAAAAAAGAACAAAGAGTAAACCTTCACTTGTTCAGAGCTCAAGC-3'